The following is an entry in ClinVar:

ClinVar aggregate classification (germline): Benign/Likely benign. Review status: criteria provided, multiple submitters, no conflicts (2 of 4 stars). 3 submissions from 3 submitters: Benign (2); Likely benign (1). Last evaluated 2026-06-03.

Submissions (3):

Women's Health and Genetics/Laboratory Corporation of America, LabCorp
Classification: Benign. Last evaluated: 2026-06-03. Review status: criteria provided, single submitter. Criteria: LabCorp Variant Classification Summary - May 2015. Collection method: clinical testing. Allele origin: germline.
Comment: Variant summary: IGFALS c.17-5dupC alters a non-conserved nucleotide located at a position not widely known to affect splicing. Consensus agreement among computation tools predict no significant impact on normal splicing. However, these predictions have yet to be confirmed by functional studies. The variant allele was found at a frequency of 0.00049 in 184052 control chromosomes, predominantly at a frequency of 0.0069 within the African or African-American subpopulation in the gnomAD database, including 1 homozygote. The observed variant frequency within African or African-American control individuals in the gnomAD database exceeds the estimated maximal expected allele frequency for disease-causing variants in IGFALS. To our knowledge, no occurrence of c.17-5dupC in individuals affected with IGFALS-related conditions and no experimental evidence demonstrating its impact on protein function have been reported. ClinVar contains an entry for this variant (Variation ID: 714690). Based on the evidence outlined above, the variant was classified as benign.

Blueprint Genetics
Classification: Likely benign. Last evaluated: 2024-09-02. Review status: criteria provided, single submitter. Criteria: ACMG Guidelines, 2015. Collection method: clinical testing. Allele origin: germline.

Labcorp Genetics (formerly Invitae), Labcorp
Classification: Benign. Last evaluated: 2019-12-31. Review status: criteria provided, single submitter. Criteria: Invitae Variant Classification Sherloc (09022015). Collection method: clinical testing. Allele origin: germline.

NM_004970.3(IGFALS):c.17-10dup

Gene: IGFALS (insulin like growth factor binding protein acid labile subunit; minus strand). Cytogenetic location: 16p13.3.
Variant type: Duplication.
Coding change: c.17-10dup on transcript NM_004970.3 (MANE Select); 10 bases into the intron before coding-DNA position 17, one base duplicated (C; older notation c.17-10dupC).
Molecular consequence: intron variant. On other transcripts: frameshift variant (1).
Genome position (GRCh38, 1-based): chr16:1,792,406, G duplicated on the plus strand (C on the coding strand, the reverse complement: IGFALS is on the minus strand); the first of 6 consecutive G bases (chr16:1,792,406-1,792,411); duplicating any one gives the same sequence. VCF-style (leftmost placement, unchanged base first): chr16-1792405-C-CG. GRCh37 (hg19) VCF-style: chr16-1842406-C-CG.
Other names: c.17-5dupC (NM_004970.3); c.126dup, p.Ala43fs (NM_001146006.2); c.17-5dup (NM_004970.2); short protein forms A43fs.
Identifiers: ClinVar variation 714690 (VCV000714690.7), dbSNP rs532488155, ClinGen allele CA7820750.